The following is an entry in ClinVar:

NM_004281.4(BAG3):c.38C>T (p.Ala13Val)

Gene: BAG3 (BAG cochaperone 3; plus strand). Cytogenetic location: 10q26.11.
Variant type: single nucleotide variant.
Coding change: c.38C>T on transcript NM_004281.4 (MANE Select); coding-DNA position 38, C replaced by T.
Protein change: p.Ala13Val; replaces alanine 13 with valine.
Molecular consequence: missense variant.
Genome position (GRCh38, 1-based): chr10:119,651,713, C>T. VCF-style: chr10-119651713-C-T. GRCh37 (hg19) VCF-style: chr10-121411225-C-T.
Other names: short protein forms A13V.
Identifiers: ClinVar variation 2932478 (VCV002932478.3), dbSNP rs2493979569, ClinGen allele CA378294044.

ClinVar aggregate classification (germline): Uncertain significance (1 of 4 stars; one submission).

Conditions:
Dilated cardiomyopathy 1HH (CMD1HH). Identifiers: Orphanet 154, MedGen C3151293, MONDO:0013479, OMIM 613881.
Myofibrillar myopathy 6. Identifiers: Orphanet 199340, MedGen C2751831, MONDO:0013061, OMIM 612954.

gnomAD v4.1: 9 of 1,594,728 alleles (0.00056%); highest among the groups gnomAD compares: Non-Finnish European, 0.00068%; no homozygotes.

Submission:

Labcorp Genetics (formerly Invitae), Labcorp
Classification: Uncertain significance for Dilated cardiomyopathy 1HH; Myofibrillar myopathy 6. Last evaluated: 2023-06-20. Review status: criteria provided, single submitter. Criteria: Invitae Variant Classification Sherloc (09022015). Collection method: clinical testing. Allele origin: germline.
Comment: In summary, the available evidence is currently insufficient to determine the role of this variant in disease. Therefore, it has been classified as a Variant of Uncertain Significance. An algorithm developed to predict the effect of missense changes on protein structure and function (PolyPhen-2) suggests that this variant is likely to be disruptive. This variant has not been reported in the literature in individuals affected with BAG3-related conditions. This variant is not present in population databases (gnomAD no frequency). This sequence change replaces alanine, which is neutral and non-polar, with valine, which is neutral and non-polar, at codon 13 of the BAG3 protein (p.Ala13Val).